The following is an entry in ClinVar:

NM_000093.5(COL5A1):c.4434dup (p.Lys1479fs)

Gene: COL5A1 (collagen type V alpha 1 chain; plus strand). Cytogenetic location: 9q34.3.
Variant type: Duplication.
Coding change: c.4434dup on transcript NM_000093.5 (MANE Select); coding-DNA position 4434, one base duplicated (C; older notation c.4434dupC).
Protein change: p.Lys1479fs; shifts the reading frame from lysine 1479.
Molecular consequence: frameshift variant.
Genome position (GRCh38, 1-based): chr9:134,819,041, C duplicated; the last of 3 consecutive C bases (chr9:134,819,039-134,819,041); duplicating any one gives the same sequence. VCF-style (leftmost placement, unchanged base first): chr9-134819038-T-TC. GRCh37 (hg19) VCF-style: chr9-137710884-T-TC.
Other names: p.Lys1479Glnfs*3; c.4434dup, p.Lys1479fs (NM_001278074.1); c.4434dup (NM_000093.3); short protein forms K1479fs.
Identifiers: ClinVar variation 3252015 (VCV003252015.2), dbSNP rs2490851912.

ClinVar aggregate classification (germline): Likely pathogenic. Review status: criteria provided, multiple submitters, no conflicts (2 of 4 stars). 2 submissions from 2 submitters: Likely pathogenic (2). Last evaluated 2025-01-07.

Conditions:
Ehlers-Danlos syndrome, classic type, 1 (EDSCL1). Also called: EHLERS-DANLOS SYNDROME, GRAVIS TYPE; EHLERS-DANLOS SYNDROME, SEVERE CLASSIC TYPE; Ehlers-Danlos syndrome, type 1; EDS I; Ehlers-Danlos Syndrome, Classic Type, COL5A1-Related. Identifiers: MedGen C0268335, MONDO:0019567, OMIM 130000.

Submissions (2):

Genetic Services Laboratory, University of Chicago
Classification: Likely pathogenic. Last evaluated: 2025-01-07. Review status: criteria provided, single submitter. Criteria: ACMG Guidelines, 2015. Collection method: clinical testing. Allele origin: germline.
Comment: DNA sequence analysis of the COL5A1 gene demonstrated a single base pair duplication in exon 57, c.4434dup. This sequence change results in an amino acid frameshift and creates a premature stop codon two amino acids downstream of the change, p.Lys1479Glnfs*3. This sequence change is predicted to result in an abnormal transcript, which may be degraded, or may lead to the production of a truncated COL5A1 protein with potentially abnormal function. While this duplication has not previously been described in the literature, other loss of function variants in the COL5A1 gene have been described in several individuals with COL5A1-related disorders (PMIDs: 22696272, 23587214, 35128800). The c.4434dup sequence change has not been described in population databases such as ExAC and gnomAD. This sequence change is likely pathogenic, however functional studies have not been performed to prove this conclusively.

Molecular Diagnostics Laboratory, M Health Fairview: University of Minnesota
Classification: Likely pathogenic for Ehlers-Danlos syndrome, classic type, 1. Last evaluated: 2024-05-09. Review status: criteria provided, single submitter. Criteria: ACMG Guidelines, 2015. Collection method: clinical testing. Allele origin: germline. Affected: yes.